The following is an entry in ClinVar:

NM_015662.3(IFT172):c.3793G>T (p.Glu1265Ter)

Genes: IFT172 (intraflagellar transport 172; minus strand), LOC126806173 (BRD4-independent group 4 enhancer GRCh37_chr2:27676057-27677256; plus strand). Cytogenetic location: 2p23.3.
Variant type: single nucleotide variant.
Coding change: c.3793G>T on transcript NM_015662.3 (MANE Select); coding-DNA position 3793, G replaced by T.
Protein change: p.Glu1265Ter; replaces glutamic acid 1265 with a stop codon.
Molecular consequence: nonsense.
Genome position (GRCh38, 1-based): chr2:27,453,658, C>A on the plus strand (G>T on the coding strand, the complement: IFT172 is on the minus strand). VCF-style: chr2-27453658-C-A. GRCh37 (hg19) VCF-style: chr2-27676525-C-A.
Other names: short protein forms E1265*.
Identifiers: ClinVar variation 1068458 (VCV001068458.11), dbSNP rs999731005, ClinGen allele CA44489951.

ClinVar aggregate classification (germline): Pathogenic/Likely pathogenic. Review status: criteria provided, multiple submitters, no conflicts (2 of 4 stars). 2 submissions from 2 submitters: Pathogenic (1); Likely pathogenic (1). Last evaluated 2024-02-27.

Conditions:
Short-rib thoracic dysplasia 10 with or without polydactyly (SRTD10). Identifiers: Orphanet 474, MedGen C3810175, MONDO:0014284, OMIM 615630.
Bardet-Biedl syndrome 20. Identifiers: MedGen C4310707, MONDO:0023670, OMIM 619471, MONDO:0014926.
Retinitis pigmentosa 71 (RP71). Identifiers: Orphanet 791, MedGen C4225342, MONDO:0014618, OMIM 616394.

Allele frequency attached by ClinVar (database versions not stated): gnomAD 0.00001; TOPMed 0.00001.
gnomAD v4.1: 1 of 1,612,384 alleles (0.000062%); highest among the groups gnomAD compares: Non-Finnish European, 0.000085%; no homozygotes.

Submissions (2):

Fulgent Genetics
Classification: Likely pathogenic for Short-rib thoracic dysplasia 10 with or without polydactyly; Retinitis pigmentosa 71; Bardet-Biedl syndrome 20. Last evaluated: 2024-02-27. Review status: criteria provided, single submitter. Criteria: ACMG Guidelines, 2015. Collection method: clinical testing. Allele origin: germline.

Labcorp Genetics (formerly Invitae), Labcorp
Classification: Pathogenic for Retinitis pigmentosa 71; Short-rib thoracic dysplasia 10 with or without polydactyly. Last evaluated: 2023-08-04. Review status: criteria provided, single submitter. Criteria: Invitae Variant Classification Sherloc (09022015). Collection method: clinical testing. Allele origin: germline.
Comment: For these reasons, this variant has been classified as Pathogenic. ClinVar contains an entry for this variant (Variation ID: 1068458). This variant has not been reported in the literature in individuals affected with IFT172-related conditions. This variant is present in population databases (no rsID available, gnomAD 0.007%). This sequence change creates a premature translational stop signal (p.Glu1265*) in the IFT172 gene. It is expected to result in an absent or disrupted protein product. Loss-of-function variants in IFT172 are known to be pathogenic (PMID: 24140113).

Literature cited by the submitters: PubMed 24140113 (cited by Labcorp Genetics (formerly Invitae), Labcorp).